The following is an entry in ClinVar:

ClinVar aggregate classification (germline): Uncertain significance. Review status: criteria provided, multiple submitters, no conflicts (2 of 4 stars). 2 submissions from 2 submitters: Uncertain significance (2). Last evaluated 2025-08-30.

gnomAD v4.1: 17 of 1,614,052 alleles (0.0011%); highest among the groups gnomAD compares: Non-Finnish European, 0.0014%; no homozygotes.

Submissions (2):

Ambry Genetics
Classification: Uncertain significance. Last evaluated: 2025-08-30. Review status: criteria provided, single submitter. Criteria: Ambry Variant Classification Scheme 2023. Collection method: clinical testing. Allele origin: germline.

GeneDx
Classification: Uncertain significance. Last evaluated: 2025-06-20. Review status: criteria provided, single submitter. Criteria: GeneDx Variant Classification Process June 2021. Collection method: clinical testing. Allele origin: germline. Affected: yes.
Comment: Not observed at significant frequency in large population cohorts (gnomAD); In silico analysis suggests that this missense variant does not alter protein structure/function; Has not been previously published as pathogenic or benign to our knowledge

NM_001353694.2(TIAM1):c.695T>C (p.Leu232Ser)

Gene: TIAM1 (TIAM Rac1 associated GEF 1; minus strand). Cytogenetic location: 21q22.11.
Variant type: single nucleotide variant.
Coding change: c.695T>C on transcript NM_001353694.2 (MANE Select); coding-DNA position 695, T replaced by C.
Protein change: p.Leu232Ser; replaces leucine 232 with serine.
Molecular consequence: missense variant.
Genome position (GRCh38, 1-based): chr21:31,266,278, A>G on the plus strand (T>C on the coding strand, the complement: TIAM1 is on the minus strand). VCF-style: chr21-31266278-A-G. GRCh37 (hg19) VCF-style: chr21-32638594-A-G.
Other names: c.695T>C, p.Leu232Ser (NM_001353686.2, NM_001353687.2, NM_001353688.1 and 6 more transcripts); short protein forms L232S.
Identifiers: ClinVar variation 4184394 (VCV004184394.2).